The following is an entry in ClinVar:

ClinVar aggregate classification (germline): Likely benign (1 of 4 stars; one submission).

Allele frequency attached by ClinVar (database versions not stated): 1000 Genomes Project 0.00679; 1000 Genomes Project 30x 0.00687.
gnomAD v4.1: 795 of 152,246 alleles (0.52%); highest among the groups gnomAD compares: South Asian, 2.3%; 6 homozygotes.

Submission:

GeneDx
Classification: Likely benign. Last evaluated: 2018-06-28. Review status: criteria provided, single submitter. Criteria: GeneDx Variant Classification Process June 2021. Collection method: clinical testing. Allele origin: germline. Affected: yes.
Comment: See Variant Classification Assertion Criteria.

NM_018192.4(P3H2):c.1452+186G>T

Gene: P3H2 (prolyl 3-hydroxylase 2; minus strand). Cytogenetic location: 3q28.
Variant type: single nucleotide variant.
Coding change: c.1452+186G>T on transcript NM_018192.4 (MANE Select); 186 bases into the intron after coding-DNA position 1452, G replaced by T.
Molecular consequence: intron variant.
Genome position (GRCh38, 1-based): chr3:189,974,372, C>A on the plus strand (G>T on the coding strand, the complement: P3H2 is on the minus strand). VCF-style: chr3-189974372-C-A. GRCh37 (hg19) VCF-style: chr3-189692161-C-A.
Other names: c.909+186G>T (NM_001134418.2).
Identifiers: ClinVar variation 1707396 (VCV001707396.2), dbSNP rs182076652, ClinGen allele CA89721995.
Genomic context (GRCh38, chr3:189,974,372, plus strand): 5'-GGACCTTGCTAGATGGCTGTTGGGCTAGGAAATATGCCAGTAGCTATTCCAGATCCCACC[C>A]GGGAAAACTAAAATAATCCCAACCCAAAGGCTATAAAAGTTCCTCAAAAATAATTTATGT-3'